The following is an entry in ClinVar:

ClinVar aggregate classification (germline): Uncertain significance. Review status: criteria provided, multiple submitters, no conflicts (2 of 4 stars). 2 submissions from 2 submitters: Uncertain significance (2). Last evaluated 2022-09-07.

Conditions:
Inborn genetic diseases. Identifiers: MedGen C0950123, MeSH D030342.

Allele frequency attached by ClinVar (database versions not stated): gnomAD exomes 0.00001; ExAC 0.00002; gnomAD 0.00007; TOPMed 0.00007; ESP Exome Variant Server 0.00008.
gnomAD v4.1: 13 of 1,613,174 alleles (0.00081%); highest among the groups gnomAD compares: African/African-American, 0.017%; no homozygotes.

Submissions (2):

Labcorp Genetics (formerly Invitae), Labcorp
Classification: Uncertain significance. Last evaluated: 2022-09-07. Review status: criteria provided, single submitter. Criteria: Invitae Variant Classification Sherloc (09022015). Collection method: clinical testing. Allele origin: germline.
Comment: This sequence change replaces proline, which is neutral and non-polar, with leucine, which is neutral and non-polar, at codon 92 of the MCPH1 protein (p.Pro92Leu). This variant is present in population databases (rs374287463, gnomAD 0.02%). This variant has not been reported in the literature in individuals affected with MCPH1-related conditions. Algorithms developed to predict the effect of missense changes on protein structure and function are either unavailable or do not agree on the potential impact of this missense change (SIFT: "Not Available"; PolyPhen-2: "Probably Damaging"; Align-GVGD: "Not Available"). In summary, the available evidence is currently insufficient to determine the role of this variant in disease. Therefore, it has been classified as a Variant of Uncertain Significance.

Ambry Genetics
Classification: Uncertain significance for Inborn genetic diseases. Last evaluated: 2021-06-03. Review status: criteria provided, single submitter. Criteria: Ambry Variant Classification Scheme 2023. Collection method: clinical testing. Allele origin: germline.

NM_024596.5(MCPH1):c.275C>T (p.Pro92Leu)

Gene: MCPH1 (microcephalin 1; plus strand). Cytogenetic location: 8p23.1.
Variant type: single nucleotide variant.
Coding change: c.275C>T on transcript NM_024596.5 (MANE Select); coding-DNA position 275, C replaced by T.
Protein change: p.Pro92Leu; replaces proline 92 with leucine.
Molecular consequence: missense variant. On other transcripts: non-coding transcript variant (1).
Genome position (GRCh38, 1-based): chr8:6,431,540, C>T. VCF-style: chr8-6431540-C-T. GRCh37 (hg19) VCF-style: chr8-6289061-C-T.
Other names: c.275C>T, p.Pro92Leu (NM_001172574.2, NM_001172575.2, NM_001322042.2 and 4 more transcripts); c.269C>T, p.Pro90Leu (NM_001322043.2); c.173C>T, p.Pro58Leu (NM_001322045.2); short protein forms P90L, P58L, P92L.
Identifiers: ClinVar variation 1908629 (VCV001908629.3), dbSNP rs374287463, ClinGen allele CA4610152.